The following is an entry in ClinVar:

ClinVar aggregate classification (germline): Uncertain significance. Review status: criteria provided, multiple submitters, no conflicts (2 of 4 stars). 3 submissions from 3 submitters: Uncertain significance (3). Last evaluated 2024-07-01.

Conditions:
Severe early-childhood-onset retinal dystrophy (STGD1). Also called: Stargardt macular dystrophy; Juvenile onset macular degeneration; Stargardt disease 1; MACULAR DYSTROPHY WITH FLECKS, TYPE 1; STGD. Identifiers: Orphanet 364055, Orphanet 827, MedGen C1855465, MeSH D000080362, MONDO:0009549, OMIM 248200.
Age related macular degeneration 2. Also called: MACULAR DEGENERATION, SENILE; MACULOPATHY, AGE-RELATED, 2; MACULOPATHY, AGE-RELATED. Identifiers: MedGen C3495438, MONDO:0007932, OMIM 153800.
Retinitis pigmentosa 19 (RP19). Also called: ABCA4-Related Retinitis Pigmentosa. Identifiers: Orphanet 791, MedGen C1866422, MONDO:0011137, OMIM 601718.
Cone-rod dystrophy 3 (CORD3). Identifiers: Orphanet 1872, MedGen C1858806, MONDO:0011395, OMIM 604116.

Allele frequency attached by ClinVar (database versions not stated): ExAC 0.00001; gnomAD 0.00001; TOPMed 0.00002; gnomAD exomes 0.00001.
gnomAD v4.1: 57 of 1,613,332 alleles (0.0035%); highest among the groups gnomAD compares: Middle Eastern, 0.016%; no homozygotes.

Submissions (3):

Revvity Omics, Revvity
Classification: Uncertain significance. Last evaluated: 2024-07-01. Review status: criteria provided, single submitter. Criteria: ACMG Guidelines, 2015. Collection method: clinical testing. Allele origin: germline.

Labcorp Genetics (formerly Invitae), Labcorp
Classification: Uncertain significance. Last evaluated: 2024-04-29. Review status: criteria provided, single submitter. Criteria: Invitae Variant Classification Sherloc (09022015). Collection method: clinical testing. Allele origin: germline.
Comment: This sequence change replaces valine, which is neutral and non-polar, with methionine, which is neutral and non-polar, at codon 1737 of the ABCA4 protein (p.Val1737Met). The frequency data for this variant in the population databases is considered unreliable, as metrics indicate poor data quality at this position in the gnomAD database. This missense change has been observed in individual(s) with inherited retinal dystrophy (PMID: 36460718). ClinVar contains an entry for this variant (Variation ID: 1524182). Advanced modeling of protein sequence and biophysical properties (such as structural, functional, and spatial information, amino acid conservation, physicochemical variation, residue mobility, and thermodynamic stability) has been performed at Invitae for this missense variant, however the output from this modeling did not meet the statistical confidence thresholds required to predict the impact of this variant on ABCA4 protein function. In summary, the available evidence is currently insufficient to determine the role of this variant in disease. Therefore, it has been classified as a Variant of Uncertain Significance.

Fulgent Genetics
Classification: Uncertain significance for Age related macular degeneration 2; Severe early-childhood-onset retinal dystrophy; Retinitis pigmentosa 19; Cone-rod dystrophy 3. Last evaluated: 2021-07-24. Review status: criteria provided, single submitter. Criteria: ACMG Guidelines, 2015. Collection method: clinical testing. Allele origin: unknown.

Literature cited by the submitters: PubMed 36460718 (cited by Labcorp Genetics (formerly Invitae), Labcorp).

NM_000350.3(ABCA4):c.5209G>A (p.Val1737Met)

Gene: ABCA4 (ATP binding cassette subfamily A member 4; minus strand). Cytogenetic location: 1p22.1.
Variant type: single nucleotide variant.
Coding change: c.5209G>A on transcript NM_000350.3 (MANE Select); coding-DNA position 5209, G replaced by A.
Protein change: p.Val1737Met; replaces valine 1737 with methionine.
Molecular consequence: missense variant.
Genome position (GRCh38, 1-based): chr1:94,015,842, C>T on the plus strand (G>A on the coding strand, the complement: ABCA4 is on the minus strand). VCF-style: chr1-94015842-C-T. GRCh37 (hg19) VCF-style: chr1-94481398-C-T.
Other names: c.4987G>A, p.Val1663Met (NM_001425324.1); short protein forms V1737M, V1663M.
Identifiers: ClinVar variation 1524182 (VCV001524182.7), dbSNP rs761017794, ClinGen allele CA957343.